The following is an entry in ClinVar:

ClinVar aggregate classification (germline): Likely benign (1 of 4 stars; one submission).

Allele frequency attached by ClinVar (database versions not stated): ExAC 0.00001; gnomAD exomes 0.00003; TOPMed 0.00006; gnomAD 0.00007; ESP Exome Variant Server 0.00008.
gnomAD v4.1: 62 of 1,613,774 alleles (0.0038%); highest among the groups gnomAD compares: Admixed American, 0.0083%; no homozygotes.

Submission:

CeGaT Center for Human Genetics Tuebingen
Classification: Likely benign. Last evaluated: 2024-04-01. Review status: criteria provided, single submitter. Criteria: CeGaT Center For Human Genetics Tuebingen Variant Classification Criteria Version 2. Collection method: clinical testing. Allele origin: germline. Affected: yes. Observed: 1 variant allele.
Comment: FAT1: BP4, BP7

NM_005245.4(FAT1):c.3186C>T (p.Asp1062=)

Gene: FAT1 (FAT atypical cadherin 1; minus strand). Cytogenetic location: 4q35.2.
Variant type: single nucleotide variant.
Coding change: c.3186C>T on transcript NM_005245.4 (MANE Select); coding-DNA position 3186, C replaced by T.
Protein change: p.Asp1062=; no amino-acid change (aspartic acid 1062 retained).
Molecular consequence: synonymous variant.
Genome position (GRCh38, 1-based): chr4:186,706,642, G>A on the plus strand (C>T on the coding strand, the complement: FAT1 is on the minus strand). VCF-style: chr4-186706642-G-A. GRCh37 (hg19) VCF-style: chr4-187627796-G-A.
Identifiers: ClinVar variation 3234430 (VCV003234430.20), dbSNP rs371791429, ClinGen allele CA3167093.
Genomic context (GRCh38, chr4:186,706,642, plus strand): 5'-GAAAACACCAACGCCAGAGCCATCTCTAATGGAGTATCGGATCTCCCCATCTCTTCTGGC[G>A]TCCTCATCATGAGCCGACACCGTCATTACCAATGAACCAACAGGTGCATCTTCTTTCACT-3'
Protein context (NP_005236.2, residues 1052-1072): LVMTVSAHDE[Asp1062=]ARRDGEIRYS